The following is an entry in ClinVar:

NM_032638.5(GATA2):c.748C>T (p.Pro250Ser)

Gene: GATA2 (GATA binding protein 2; minus strand). Cytogenetic location: 3q21.3.
Variant type: single nucleotide variant.
Coding change: c.748C>T on transcript NM_032638.5 (MANE Select); coding-DNA position 748, C replaced by T.
Protein change: p.Pro250Ser; replaces proline 250 with serine.
Molecular consequence: missense variant.
Genome position (GRCh38, 1-based): chr3:128,485,850, G>A on the plus strand (C>T on the coding strand, the complement: GATA2 is on the minus strand). VCF-style: chr3-128485850-G-A. GRCh37 (hg19) VCF-style: chr3-128204693-G-A.
Other names: c.748C>T, p.Pro250Ser (NM_001145661.2, NM_001145662.1); short protein forms P250S.
Identifiers: ClinVar variation 472465 (VCV000472465.15), dbSNP rs78245253, ClinGen allele CA2599967.

ClinVar aggregate classification (germline): Uncertain significance. Review status: criteria provided, multiple submitters, no conflicts (2 of 4 stars). 5 submissions from 5 submitters: Uncertain significance (5). Last evaluated 2025-11-01.

Conditions:
Deafness-lymphedema-leukemia syndrome. Also called: Emberger syndrome; Lymphedema, primary, with myelodysplasia. Identifiers: Orphanet 3226, MedGen C3279664, MONDO:0013540, OMIM 614038.
Monocytopenia with susceptibility to infections. Also called: IMMUNODEFICIENCY 21; GATA2 DEFICIENCY; MONOCYTOPENIA AND MYCOBACTERIAL INFECTION SYNDROME; MONOCYTOPENIA WITH SUSCEPTIBILITY TO MYCOBACTERIAL, FUNGAL, AND PAPILLOMAVIRUS INFECTIONS AND MYELODYSPLASIA; COMBINED IMMUNODEFICIENCY WITH SUSCEPTIBILITY TO MYCOBACTERIAL, VIRAL, AND FUNGAL INFECTIONS; Dendritic cell, monocyte, B lymphocyte, and natural killer lymphocyte deficiency. Identifiers: Orphanet 228423, MedGen C3280030, MONDO:0013607, OMIM 614172.
Inborn genetic diseases. Identifiers: MedGen C0950123, MeSH D030342.
Myelodysplastic syndrome (MDS). Also called: Myelodysplastic syndrome, somatic; Myelodysplastic syndromes; MYELODYSPLASTIC SYNDROME, SUSCEPTIBILITY TO. Identifiers: Orphanet 52688, MedGen C3463824, MeSH D009190, MONDO:0018881, OMIM 614286.
Acute myeloid leukemia (AML). Also called: Leukemia, acute myeloid, somatic; Leukemia, acute myelogenous, somatic; Acute myeloid leukemia, adult; AML adult; Acute non-lymphocytic leukemia; Acute granulocytic leukemia. Identifiers: Orphanet 519, MedGen C0023467, MeSH D015470, MONDO:0018874, OMIM 601626, HP:0004808. Disease mechanism: Constitutively activated FLT3.

Allele frequency attached by ClinVar (database versions not stated): TOPMed 0.00002; 1000 Genomes Project 30x 0.00016.

Submissions (5):

Labcorp Genetics (formerly Invitae), Labcorp
Classification: Uncertain significance for Monocytopenia with susceptibility to infections; Deafness-lymphedema-leukemia syndrome. Last evaluated: 2025-11-01. Review status: criteria provided, single submitter. Criteria: Invitae Variant Classification Sherloc (09022015). Collection method: clinical testing. Allele origin: germline.
Comment: This sequence change replaces proline, which is neutral and non-polar, with serine, which is neutral and polar, at codon 250 of the GATA2 protein (p.Pro250Ser). This variant is present in population databases (rs78245253, gnomAD 0.0009%). This variant has not been reported in the literature in individuals affected with GATA2-related conditions. ClinVar contains an entry for this variant (Variation ID: 472465). Invitae Evidence Modeling of protein sequence and biophysical properties (such as structural, functional, and spatial information, amino acid conservation, physicochemical variation, residue mobility, and thermodynamic stability) indicates that this missense variant is not expected to disrupt GATA2 protein function with a negative predictive value of 95%. In summary, the available evidence is currently insufficient to determine the role of this variant in disease. Therefore, it has been classified as a Variant of Uncertain Significance.

Ambry Genetics
Classification: Uncertain significance for Inborn genetic diseases. Last evaluated: 2024-12-19. Review status: criteria provided, single submitter. Criteria: Ambry Variant Classification Scheme 2023. Collection method: clinical testing. Allele origin: germline.
Comment: The p.P250S variant (also known as c.748C>T), located in coding exon 2 of the GATA2 gene, results from a C to T substitution at nucleotide position 748. The proline at codon 250 is replaced by serine, an amino acid with similar properties. This amino acid position is highly conserved in available vertebrate species. In addition, the in silico prediction for this alteration is inconclusive. Based on the available evidence, the clinical significance of this variant remains unclear.

Fulgent Genetics
Classification: Uncertain significance for Acute myeloid leukemia; Deafness-lymphedema-leukemia syndrome; Monocytopenia with susceptibility to infections; Myelodysplastic syndrome. Last evaluated: 2024-02-18. Review status: criteria provided, single submitter. Criteria: ACMG Guidelines, 2015. Collection method: clinical testing. Allele origin: germline.

GeneDx
Classification: Uncertain significance. Last evaluated: 2023-12-07. Review status: criteria provided, single submitter. Criteria: GeneDx Variant Classification Process June 2021. Collection method: clinical testing. Allele origin: germline. Affected: yes.
Comment: Not observed at significant frequency in large population cohorts (gnomAD); In silico analysis supports that this missense variant has a deleterious effect on protein structure/function; Has not been previously published as pathogenic or benign to our knowledge; This variant is associated with the following publications: (PMID: 28637621)

Baylor Genetics
Classification: Uncertain significance for Acute myeloid leukemia. Last evaluated: 2023-08-18. Review status: criteria provided, single submitter. Criteria: ACMG Guidelines, 2015. Collection method: clinical testing. Allele origin: unknown.